The following is an entry in ClinVar:

NM_006015.6(ARID1A):c.762C>T (p.Ser254=)

Genes: ARID1A (AT-rich interaction domain 1A; plus strand), LOC129929837 (ATAC-STARR-seq lymphoblastoid silent region 489; plus strand). Cytogenetic location: 1p36.11.
Variant type: single nucleotide variant.
Coding change: c.762C>T on transcript NM_006015.6 (MANE Select); coding-DNA position 762, C replaced by T.
Protein change: p.Ser254=; no amino-acid change (serine 254 retained).
Molecular consequence: synonymous variant.
Genome position (GRCh38, 1-based): chr1:26,697,165, C>T. VCF-style: chr1-26697165-C-T. GRCh37 (hg19) VCF-style: chr1-27023656-C-T.
Other names: c.762C>T, p.Ser254= (NM_139135.4).
Identifiers: ClinVar variation 3609796 (VCV003609796.9).

ClinVar aggregate classification (germline): Likely benign. Review status: criteria provided, multiple submitters, no conflicts (2 of 4 stars). 2 submissions from 2 submitters: Likely benign (2). Last evaluated 2025-09-01.

gnomAD v4.1: 8 of 1,435,802 alleles (0.00056%); highest among the groups gnomAD compares: African/African-American, 0.0045%; no homozygotes.

Submissions (2):

CeGaT Center for Human Genetics Tuebingen
Classification: Likely benign. Last evaluated: 2025-09-01. Review status: criteria provided, single submitter. Criteria: CeGaT Center For Human Genetics Tuebingen Variant Classification Criteria Version 2. Collection method: clinical testing. Allele origin: germline. Affected: yes. Observed: 1 variant allele.
Comment: ARID1A: BP4, BP7

Labcorp Genetics (formerly Invitae), Labcorp
Classification: Likely benign. Last evaluated: 2024-05-13. Review status: criteria provided, single submitter. Criteria: Invitae Variant Classification Sherloc (09022015). Collection method: clinical testing. Allele origin: germline.